The following is an entry in ClinVar:

NM_004360.5(CDH1):c.2374A>G (p.Met792Val)

Gene: CDH1 (cadherin 1; plus strand). Cytogenetic location: 16q22.1.
Variant type: single nucleotide variant.
Coding change: c.2374A>G on transcript NM_004360.5 (MANE Select); coding-DNA position 2374, A replaced by G.
Protein change: p.Met792Val; replaces methionine 792 with valine.
Molecular consequence: missense variant.
Genome position (GRCh38, 1-based): chr16:68,829,732, A>G. VCF-style: chr16-68829732-A-G. GRCh37 (hg19) VCF-style: chr16-68863635-A-G.
Other names: c.2374A>G (LRG_301t1); c.2191A>G, p.Met731Val (NM_001317184.2); c.826A>G, p.Met276Val (NM_001317185.2); c.409A>G, p.Met137Val (NM_001317186.2); short protein forms M792V, M276V, M137V, M731V.
Identifiers: ClinVar variation 234284 (VCV000234284.17), dbSNP rs759380419, ClinGen allele CA8130264.
Genomic context (GRCh38, chr16:68,829,732, plus strand): 5'-CTGCACAGGGGCCTGGACGCTCGGCCTGAAGTGACTCGTAACGACGTTGCACCAACCCTC[A>G]TGAGTGTCCCCCGGTATCTTCCCCGCCCTGCCAATCCCGATGAAATTGGAAATTTTATTG-3'
Protein context (NP_004351.1, residues 782-802): VTRNDVAPTL[Met792Val]SVPRYLPRPA

ClinVar aggregate classification (germline): Uncertain significance. Review status: criteria provided, multiple submitters, no conflicts (2 of 4 stars). 5 submissions from 5 submitters: Uncertain significance (5). Last evaluated 2026-02-03.

Conditions:
Hereditary cancer-predisposing syndrome. Also called: Tumor predisposition; Hereditary Cancer Syndrome; Hereditary neoplastic syndrome; Neoplastic Syndromes, Hereditary. Identifiers: Orphanet 140162, MedGen C0027672, MeSH D009386, MONDO:0015356.
Hereditary diffuse gastric adenocarcinoma (HDGC). Also called: DIFFUSE GASTRIC AND LOBULAR BREAST CANCER SYNDROME. Identifiers: Orphanet 26106, MedGen C1708349, MONDO:0007648, OMIM 137215.

gnomAD v4.1: 9 of 1,614,012 alleles (0.00056%); highest among the groups gnomAD compares: Non-Finnish European, 0.00068%; 1 homozygote.

Submissions (5):

Labcorp Genetics (formerly Invitae), Labcorp
Classification: Uncertain significance for Hereditary diffuse gastric adenocarcinoma. Last evaluated: 2026-02-03. Review status: criteria provided, single submitter. Criteria: Invitae Variant Classification Sherloc (09022015). Collection method: clinical testing. Allele origin: germline.
Comment: This sequence change replaces methionine, which is neutral and non-polar, with valine, which is neutral and non-polar, at codon 792 of the CDH1 protein (p.Met792Val). RNA analysis indicates that this missense change induces altered splicing and likely results in the loss of 22 amino acid residue(s), but is expected to preserve the integrity of the reading-frame. This variant is present in population databases (rs759380419, gnomAD 0.003%). This variant has not been reported in the literature in individuals affected with CDH1-related conditions. ClinVar contains an entry for this variant (Variation ID: 234284). An algorithm developed to predict the effect of missense changes on protein structure and function (PolyPhen-2) suggests that this variant is likely to be tolerated. Studies have shown that this missense change results in the activation of a cryptic splice site in exon 15 (internal data). In summary, the available evidence is currently insufficient to determine the role of this variant in disease. Therefore, it has been classified as a Variant of Uncertain Significance.

Molecular Pathology, Peter Maccallum Cancer Centre
Classification: Uncertain significance for Hereditary diffuse gastric adenocarcinoma. Last evaluated: 2025-02-17. Review status: criteria provided, single submitter. Criteria: ACMG Guidelines, 2015. Collection method: clinical testing. Allele origin: germline. Inheritance: Autosomal dominant inheritance.

Ambry Genetics
Classification: Uncertain significance for Hereditary cancer-predisposing syndrome. Last evaluated: 2024-12-05. Review status: criteria provided, single submitter. Criteria: Ambry Variant Classification Scheme 2023. Collection method: clinical testing. Allele origin: germline.
Comment: The p.M792V variant (also known as c.2374A>G), located in coding exon 15 of the CDH1 gene, results from an A to G substitution at nucleotide position 2374. The methionine at codon 792 is replaced by valine, an amino acid with highly similar properties. This variant was reported in 3/60,466 breast cancer cases and in 0/53,461 controls (Dorling et al. N Engl J Med. 2021 02;384:428-439). This nucleotide position is not well conserved in available vertebrate species. In silico splice site analysis predicts that this alteration may result in the creation or strengthening of a novel splice donor site. RNA studies have demonstrated that this alteration results in an incomplete splice defect; the clinical impact of this abnormal splicing is unknown at this time (Ambry internal data). This amino acid position is not well conserved in available vertebrate species. In addition, this alteration is predicted to be tolerated by in silico analysis. Since supporting evidence is limited at this time, the clinical significance of this alteration remains unclear.

Color Diagnostics, LLC DBA Color Health
Classification: Uncertain significance for Hereditary cancer-predisposing syndrome. Last evaluated: 2022-02-15. Review status: criteria provided, single submitter. Criteria: ACMG Guidelines, 2015. Collection method: clinical testing. Allele origin: germline.
Comment: This missense variant replaces methionine with valine at codon 792 of the CDH1 protein. Computational prediction suggests that this variant may not impact protein structure and function (internally defined REVEL score threshold <= 0.5, PMID: 27666373). Splice site prediction tools suggest that this variant may impact RNA splicing by creating a new splice donor site. To our knowledge, functional studies have not been performed for this variant. This variant has not been reported in individuals affected with hereditary cancer in the literature. This variant has been identified in 3/251466 chromosomes in the general population by the Genome Aggregation Database (gnomAD). The available evidence is insufficient to determine the role of this variant in disease conclusively. Therefore, this variant is classified as a Variant of Uncertain Significance.

GeneDx
Classification: Uncertain significance. Last evaluated: 2019-10-11. Review status: criteria provided, single submitter. Criteria: GeneDx Variant Classification Process June 2021. Collection method: clinical testing. Allele origin: germline. Affected: yes.
Comment: Not observed at a significant frequency in large population cohorts (Lek 2016); While protein-based in silico analysis supports that this variant does not alter protein structure/function, splice predictors support a deleterious effect. However, in the absence of RNA or functional studies, the actual effect of this sequence change is unknown.; Has not been previously published as pathogenic or benign to our knowledge

Literature cited by the submitters: PubMed 33471991 (cited by Ambry Genetics).